The following is an entry in ClinVar:

ClinVar aggregate classification (germline): Uncertain significance. Review status: criteria provided, multiple submitters, no conflicts (2 of 4 stars). 2 submissions from 2 submitters: Uncertain significance (2). Last evaluated 2024-03-01.

Allele frequency attached by ClinVar (database versions not stated): gnomAD exomes below 0.00001 and 0.00001; ExAC 0.00001; TOPMed 0.00001.
gnomAD v4.1: 14 of 1,602,790 alleles (0.00087%); highest among the groups gnomAD compares: Non-Finnish European, 0.00094%; no homozygotes.

Submissions (2):

CeGaT Center for Human Genetics Tuebingen
Classification: Uncertain significance. Last evaluated: 2024-03-01. Review status: criteria provided, single submitter. Criteria: CeGaT Center For Human Genetics Tuebingen Variant Classification Criteria Version 2. Collection method: clinical testing. Allele origin: germline. Affected: yes. Observed: 1 variant allele.
Comment: VPS41: PM2, PP3

GeneDx
Classification: Uncertain significance. Last evaluated: 2022-01-24. Review status: criteria provided, single submitter. Criteria: GeneDx Variant Classification Process June 2021. Collection method: clinical testing. Allele origin: germline. Affected: yes.
Comment: Not observed at significant frequency in large population cohorts (gnomAD); Canonical splice site variant expected to result in aberrant splicing, although in the absence of functional evidence the actual effect of this sequence change is unknown.; Has not been previously published as pathogenic or benign to our knowledge

NM_014396.4(VPS41):c.61-1G>A

Gene: VPS41 (VPS41 subunit of HOPS complex; minus strand). Cytogenetic location: 7p14.1.
Variant type: single nucleotide variant.
Coding change: c.61-1G>A on transcript NM_014396.4 (MANE Select); the canonical splice acceptor site of the intron before coding-DNA position 61, G replaced by A.
Molecular consequence: splice acceptor variant.
Genome position (GRCh38, 1-based): chr7:38,869,254, C>T on the plus strand (G>A on the coding strand, the complement: VPS41 is on the minus strand). VCF-style: chr7-38869254-C-T. GRCh37 (hg19) VCF-style: chr7-38908854-C-T.
Other names: c.61-1G>A (NM_080631.4).
Identifiers: ClinVar variation 1698322 (VCV001698322.23), dbSNP rs752844147, ClinGen allele CA4227281.